The following is an entry in ClinVar:

ClinVar aggregate classification (germline): Uncertain significance. Review status: criteria provided, multiple submitters, no conflicts (2 of 4 stars). 2 submissions from 2 submitters: Uncertain significance (2). Last evaluated 2024-02-13.

Submissions (2):

Blueprint Genetics
Classification: Uncertain significance. Last evaluated: 2024-02-13. Review status: criteria provided, single submitter. Criteria: ACMG Guidelines, 2015. Collection method: clinical testing. Allele origin: germline.

Labcorp Genetics (formerly Invitae), Labcorp
Classification: Uncertain significance. Last evaluated: 2022-06-28. Review status: criteria provided, single submitter. Criteria: Invitae Variant Classification Sherloc (09022015). Collection method: clinical testing. Allele origin: germline.
Comment: This sequence change creates a premature translational stop signal (p.Phe950Serfs*18) in the SAMD9 gene. While this is not anticipated to result in nonsense mediated decay, it is expected to disrupt the last 640 amino acid(s) of the SAMD9 protein. This variant is not present in population databases (gnomAD no frequency). This variant has not been reported in the literature in individuals affected with SAMD9-related conditions. Experimental studies and prediction algorithms are not available or were not evaluated, and the functional significance of this variant is currently unknown. In summary, the available evidence is currently insufficient to determine the role of this variant in disease. Therefore, it has been classified as a Variant of Uncertain Significance.

NM_017654.4(SAMD9):c.2849del (p.Phe950fs)

Gene: SAMD9 (sterile alpha motif domain containing 9; minus strand). Cytogenetic location: 7q21.2.
Variant type: Deletion.
Coding change: c.2849del on transcript NM_017654.4 (MANE Select); coding-DNA position 2849, one base deleted (T; older notation c.2849delT).
Protein change: p.Phe950fs; shifts the reading frame from phenylalanine 950.
Molecular consequence: frameshift variant.
Genome position (GRCh38, 1-based): chr7:93,103,249, A deleted on the plus strand (T on the coding strand, the reverse complement: SAMD9 is on the minus strand); the first of 3 consecutive A bases (chr7:93,103,249-93,103,251); deleting any one gives the same sequence. VCF-style (leftmost placement, unchanged base first): chr7-93103248-GA-G. GRCh37 (hg19) VCF-style: chr7-92732561-GA-G.
Other names: c.2849del, p.Phe950fs (NM_001193307.2); short protein forms F950fs.
Identifiers: ClinVar variation 2115045 (VCV002115045.2), dbSNP rs1174803353, ClinGen allele CA843909998.